The following is an entry in ClinVar:

ClinVar aggregate classification (germline): Likely pathogenic (1 of 4 stars; one submission).

Conditions:
Mucopolysaccharidosis type 6 (MPS6). Also called: N-ACETYLGALACTOSAMINE-4-SULFATASE DEFICIENCY; MPS VI; MPS 6; Maroteaux Lamy syndrome; ARSB DEFICIENCY; ARYLSULFATASE B DEFICIENCY. Identifiers: Orphanet 583, MedGen C0026709, MONDO:0009661, OMIM 253200.

Submission:

Laboratory of Diagnosis and Therapy of Lysosomal Disorders, University of Padova
Classification: Likely pathogenic for Mucopolysaccharidosis type 6. Last evaluated: 2018-01-01. Review status: criteria provided, single submitter. Criteria: ACMG Guidelines, 2015. Collection method: curation. Allele origin: germline. Affected: yes.
Comment: Frameshift variant (PVS1); Absent from GnomAD (PM2)

Literature cited by the submitters: PubMed 26609033; PubMed 30118150.

NM_000046.5(ARSB):c.659_660del (p.Ile220fs)

Gene: ARSB (arylsulfatase B; minus strand). Cytogenetic location: 5q14.1.
Variant type: Microsatellite.
Coding change: c.659_660del on transcript NM_000046.5 (MANE Select); coding-DNA positions 659 to 660, 2 bases deleted (TA; older notation c.659_660delTA).
Protein change: p.Ile220fs; shifts the reading frame from isoleucine 220.
Molecular consequence: frameshift variant.
Genome position (GRCh38, 1-based): chr5:78,964,446-78,964,447, TA deleted on the plus strand (TA on the coding strand, the reverse complement: ARSB is on the minus strand); deleting any 2 consecutive bases within chr5:78,964,446-78,964,449 gives the same sequence; the c. name uses the placement nearest the transcript's 3' end. VCF-style (leftmost placement, unchanged base first): chr5-78964445-CTA-C. GRCh37 (hg19) VCF-style: chr5-78260268-CTA-C.
Other names: c.659_660del, p.Ile220fs (NM_198709.3); short protein forms I220fs.
Identifiers: ClinVar variation 559802 (VCV000559802.1), dbSNP rs1554087395, ClinGen allele CA658822930.